The following is an entry in ClinVar:

NM_000260.4(MYO7A):c.1757A>G (p.Asn586Ser)

Gene: MYO7A (myosin VIIA; plus strand). Cytogenetic location: 11q13.5.
Variant type: single nucleotide variant.
Coding change: c.1757A>G on transcript NM_000260.4 (MANE Select); coding-DNA position 1757, A replaced by G.
Protein change: p.Asn586Ser; replaces asparagine 586 with serine.
Molecular consequence: missense variant.
Genome position (GRCh38, 1-based): chr11:77,166,122, A>G. VCF-style: chr11-77166122-A-G. GRCh37 (hg19) VCF-style: chr11-76877168-A-G.
Other names: c.1757A>G (NM_000260.3); c.1757A>G, p.Asn586Ser (NM_001127180.2); c.1724A>G, p.Asn575Ser (NM_001369365.1); short protein forms N575S, N586S.
Identifiers: ClinVar variation 2142694 (VCV002142694.5), dbSNP rs782244537, ClinGen allele CA6197581.
Genomic context (GRCh38, chr11:77,166,122, plus strand): 5'-TGGAGAAGAACCGAGACACCCTGCATGGGGACATTATCCAGCTGGTCCACTCCTCCAGGA[A>G]CAAGTTCATCAAGCAGATCTTCCAGGCCGATGTCGCCATGGTAAGCCGGGTGCGGTTTCT-3'
Protein context (NP_000251.3, residues 576-596): DIIQLVHSSR[Asn586Ser]KFIKQIFQAD

ClinVar aggregate classification (germline): Uncertain significance. Review status: criteria provided, multiple submitters, no conflicts (2 of 4 stars). 3 submissions from 3 submitters: Uncertain significance (3). Last evaluated 2026-01-26.

Conditions:
Inborn genetic diseases. Identifiers: MedGen C0950123, MeSH D030342.

Allele frequency attached by ClinVar (database versions not stated): gnomAD exomes 0.00002; ExAC 0.00003; gnomAD 0.00004; TOPMed 0.00004.
gnomAD v4.1: 36 of 1,613,838 alleles (0.0022%); highest among the groups gnomAD compares: African/African-American, 0.012%; no homozygotes.

Submissions (3):

Labcorp Genetics (formerly Invitae), Labcorp
Classification: Uncertain significance. Last evaluated: 2026-01-26. Review status: criteria provided, single submitter. Criteria: Invitae Variant Classification Sherloc (09022015). Collection method: clinical testing. Allele origin: germline.
Comment: This sequence change replaces asparagine, which is neutral and polar, with serine, which is neutral and polar, at codon 586 of the MYO7A protein (p.Asn586Ser). This variant is present in population databases (rs782244537, gnomAD 0.01%). This variant has not been reported in the literature in individuals affected with MYO7A-related conditions. ClinVar contains an entry for this variant (Variation ID: 2142694). Invitae Evidence Modeling of protein sequence and biophysical properties (such as structural, functional, and spatial information, amino acid conservation, physicochemical variation, residue mobility, and thermodynamic stability) indicates that this missense variant is not expected to disrupt MYO7A protein function with a negative predictive value of 95%. In summary, the available evidence is currently insufficient to determine the role of this variant in disease. Therefore, it has been classified as a Variant of Uncertain Significance.

Ambry Genetics
Classification: Uncertain significance for Inborn genetic diseases. Last evaluated: 2025-05-23. Review status: criteria provided, single submitter. Criteria: Ambry Variant Classification Scheme 2023. Collection method: clinical testing. Allele origin: germline.

Blueprint Genetics
Classification: Uncertain significance. Last evaluated: 2022-08-19. Review status: criteria provided, single submitter. Criteria: ACMG Guidelines, 2015. Collection method: clinical testing. Allele origin: germline.